The following is an entry in ClinVar:

ClinVar aggregate classification (germline): Pathogenic (1 of 4 stars; one submission).

Submission:

GeneDx
Classification: Pathogenic. Last evaluated: 2016-06-13. Review status: criteria provided, single submitter. Criteria: GeneDx Variant Classification (06012015). Collection method: clinical testing. Allele origin: germline. Affected: yes.
Comment: The r.109_123del15 variant was identified in the TERC gene, which encodes the non-translated RNA component of the telomerase complex. This variant has been published previously in a patient with pancytopenia, and has been shown to abolish telomerase activity (Calado et al., 2009). Additionally, the variant was not observed in approximately 2,900 individuals of European and African American ancestry in the NHLBI Exome Sequencing Project, indicating it is not a common benign variant in these populations. This variant causes the loss of 15 nuceotides within the P2b/P3 region of the pseudoknot domain of the resulting RNA. Additionally, other small deletions have been reported in the Human Gene Mutation Database in association with TERC-related disorders (Stenson et al., 2014).

NR_001566.3(TERC):n.107_121delGCTGACTTTCAGCGG

Genes: TERC (telomerase RNA component; minus strand), LOC110806306 (telomerase RNA component (TERC) promoter; plus strand). Cytogenetic location: 3q26.2.
Variant type: Deletion.
Genome position: GRCh38 VCF-style: chr3-169764937-CGCCCGCTGAAAGTCA-C. GRCh37 (hg19) VCF-style: chr3-169482725-CGCCCGCTGAAAGTCA-C.
Identifiers: ClinVar variation 265599 (VCV000265599.1), dbSNP rs886039656, ClinGen allele CA10588352.